The following is an entry in ClinVar:

ClinVar aggregate classification (germline): Likely benign. Review status: criteria provided, multiple submitters, no conflicts (2 of 4 stars). 2 submissions from 2 submitters: Likely benign (2). Last evaluated 2018-01-13.

Conditions:
Lymphoproliferative syndrome 1 (LPFS1). Identifiers: Orphanet 238505, Orphanet 538963, MedGen C3552634, MONDO:0013081, OMIM 613011.

Allele frequency attached by ClinVar (database versions not stated): 1000 Genomes Project 0.00060; 1000 Genomes Project 30x 0.00078; TOPMed 0.00323; gnomAD 0.00383 and 0.00403; gnomAD exomes 0.00393.
gnomAD v4.1: 859 of 226,718 alleles (0.38%); highest among the groups gnomAD compares: Non-Finnish European, 0.6%; 2 homozygotes.

Submissions (2):

Illumina Laboratory Services, Illumina
Classification: Likely benign for Lymphoproliferative syndrome 1. Last evaluated: 2018-01-13. Review status: criteria provided, single submitter. Criteria: ICSL Variant Classification Criteria 13 December 2019. Collection method: clinical testing. Allele origin: germline.
Comment: This variant was observed in the ICSL laboratory as part of a predisposition screen in an ostensibly healthy population. It had not been previously curated by ICSL or reported in the Human Gene Mutation Database (HGMD: prior to June 1st, 2018), and was therefore a candidate for classification through an automated scoring system. Utilizing variant allele frequency, disease prevalence and penetrance estimates, and inheritance mode, an automated score was calculated to assess if this variant is too frequent to cause the disease. Based on the score and internal cut-off values, a variant classified as likely benign is not then subjected to further curation. The score for this variant resulted in a classification of likely benign for this disease.

Breakthrough Genomics
Classification: Likely benign. Review status: criteria provided, single submitter. Criteria: ACMG Guidelines, 2015. Collection method: not provided. Allele origin: germline. Inheritance: Autosomal recessive inheritance. Affected: yes.

NM_005546.4(ITK):c.*980C>T

Gene: ITK (IL2 inducible T cell kinase; plus strand). Cytogenetic location: 5q33.3.
Variant type: single nucleotide variant.
Coding change: c.*980C>T on transcript NM_005546.4 (MANE Select); 980 bases downstream of the stop codon, C replaced by T.
Molecular consequence: 3 prime UTR variant.
Genome position (GRCh38, 1-based): chr5:157,253,658, C>T. VCF-style: chr5-157253658-C-T. GRCh37 (hg19) VCF-style: chr5-156680668-C-T.
Identifiers: ClinVar variation 352487 (VCV000352487.6), dbSNP rs79112977, ClinGen allele CA10621076.
Genomic context (GRCh38, chr5:157,253,658, plus strand): 5'-TTCCAGCCTCTGGGAATCAGCCCCCCCTCTCTGCACTATCCGATCCTCATCAACAGAGGG[C>T]AGCATTGTGTTGGTCAATGTTCCCTTGGCGAGCAATTGAAACTTGTTTAGGCCCTAGGGT-3'